The following is an entry in ClinVar:

NM_001429.4(EP300):c.4798C>G (p.Leu1600Val)

Gene: EP300 (EP300 lysine acetyltransferase; plus strand). Cytogenetic location: 22q13.2.
Variant type: single nucleotide variant.
Coding change: c.4798C>G on transcript NM_001429.4 (MANE Select); coding-DNA position 4798, C replaced by G.
Protein change: p.Leu1600Val; replaces leucine 1600 with valine.
Molecular consequence: missense variant.
Genome position (GRCh38, 1-based): chr22:41,176,265, C>G. VCF-style: chr22-41176265-C-G. GRCh37 (hg19) VCF-style: chr22-41572269-C-G.
Other names: c.4720C>G, p.Leu1574Val (NM_001362843.2); short protein forms L1600V, L1574V.
Identifiers: ClinVar variation 1549637 (VCV001549637.33), dbSNP rs140154690, ClinGen allele CA10253533.

ClinVar aggregate classification (germline): Benign. Review status: criteria provided, multiple submitters, no conflicts (2 of 4 stars). 3 submissions from 3 submitters: Benign (2). 1 of the submissions does not count toward it. Last evaluated 2025-07-09.

Conditions:
EP300-related disorder. Also called: EP300-related disorders; EP300-related condition.
Rubinstein-Taybi syndrome due to EP300 haploinsufficiency. Also called: RUBINSTEIN-TAYBI SYNDROME 2; EP300-Related Rubinstein-Taybi Syndrome. Identifiers: Orphanet 353284, Orphanet 783, MedGen C3150941, MONDO:0013364, OMIM 613684.

Allele frequency attached by ClinVar (database versions not stated): TOPMed 0.00009; ESP Exome Variant Server 0.00031; 1000 Genomes Project 30x 0.00047; 1000 Genomes Project 0.00060.
gnomAD v4.1: 1,410 of 1,614,200 alleles (0.087%); highest among the groups gnomAD compares: South Asian, 0.03%; 15 homozygotes.

Submissions (3):

Labcorp Genetics (formerly Invitae), Labcorp
Classification: Benign for Rubinstein-Taybi syndrome due to EP300 haploinsufficiency. Last evaluated: 2025-07-09. Review status: criteria provided, single submitter. Criteria: Invitae Variant Classification Sherloc (09022015). Collection method: clinical testing. Allele origin: germline.

CeGaT Center for Human Genetics Tuebingen
Classification: Benign. Last evaluated: 2022-05-01. Review status: criteria provided, single submitter. Criteria: CeGaT Center For Human Genetics Tuebingen Variant Classification Criteria Version 2. Collection method: clinical testing. Allele origin: germline. Affected: yes. Observed: 1 variant allele.
Comment: EP300: BS1, BS2

PreventionGenetics, part of Exact Sciences
Classification: Benign for EP300-related condition. Last evaluated: 2021-09-01. Review status: no assertion criteria provided. Collection method: clinical testing. Allele origin: germline. Not counted in ClinVar's aggregate classification.
Comment: This variant is classified as benign based on ACMG/AMP sequence variant interpretation guidelines (Richards et al. 2015 PMID: 25741868, with internal and published modifications).